The following is an entry in ClinVar:

NM_001903.5(CTNNA1):c.678_686del (p.Ala227_Leu229del)

Gene: CTNNA1 (catenin alpha 1; plus strand). Cytogenetic location: 5q31.2.
Variant type: Deletion.
Coding change: c.678_686del on transcript NM_001903.5 (MANE Select); coding-DNA positions 678 to 686, 9 bases deleted (GGCATGCCT; older notation c.678_686delGGCATGCCT).
Protein change: p.Ala227_Leu229del.
Molecular consequence: inframe deletion.
Genome position (GRCh38, 1-based): chr5:138,824,619-138,824,627, GGCATGCCT deleted. VCF-style (leftmost placement, unchanged base first): chr5-138824618-AGGCATGCCT-A. GRCh37 (hg19) VCF-style: chr5-138160307-AGGCATGCCT-A.
Other names: c.678_686del, p.Ala227_Leu229del (NM_001290307.3, NM_001323982.2, NM_001323983.1 and 3 more transcripts); c.369_377del, p.Ala124_Leu126del (NM_001290309.3); c.309_317del, p.Ala104_Leu106del (NM_001290310.3).
Identifiers: ClinVar variation 2825900 (VCV002825900.3), dbSNP rs2532424274, ClinGen allele CA2739275073.

ClinVar aggregate classification (germline): Uncertain significance (1 of 4 stars; one submission).

Submission:

Labcorp Genetics (formerly Invitae), Labcorp
Classification: Uncertain significance. Last evaluated: 2023-06-10. Review status: criteria provided, single submitter. Criteria: Invitae Variant Classification Sherloc (09022015). Collection method: clinical testing. Allele origin: germline.
Comment: In summary, the available evidence is currently insufficient to determine the role of this variant in disease. Therefore, it has been classified as a Variant of Uncertain Significance. Experimental studies and prediction algorithms are not available or were not evaluated, and the functional significance of this variant is currently unknown. This variant has not been reported in the literature in individuals affected with CTNNA1-related conditions. This variant is not present in population databases (gnomAD no frequency). This variant, c.678_686del, results in the deletion of 3 amino acid(s) of the CTNNA1 protein (p.Ala227_Leu229del), but otherwise preserves the integrity of the reading frame.